The following is an entry in ClinVar:

NM_017636.4(TRPM4):c.2117G>A (p.Arg706His)

Gene: TRPM4 (transient receptor potential cation channel subfamily M member 4; plus strand). Cytogenetic location: 19q13.33.
Variant type: single nucleotide variant.
Coding change: c.2117G>A on transcript NM_017636.4 (MANE Select); coding-DNA position 2117, G replaced by A.
Protein change: p.Arg706His; replaces arginine 706 with histidine.
Molecular consequence: missense variant.
Genome position (GRCh38, 1-based): chr19:49,190,305, G>A. VCF-style: chr19-49190305-G-A. GRCh37 (hg19) VCF-style: chr19-49693562-G-A.
Other names: c.2117G>A, p.Arg706His (NM_001195227.2); c.1772G>A, p.Arg591His (NM_001321281.2); c.509G>A, p.Arg170His (NM_001321282.2); c.1595G>A, p.Arg532His (NM_001321283.2); c.1055G>A, p.Arg352His (NM_001321285.2); short protein forms R532H, R352H, R170H, R591H, R706H.
Identifiers: ClinVar variation 1418874 (VCV001418874.8), dbSNP rs79868934, ClinGen allele CA9569440.

ClinVar aggregate classification (germline): Uncertain significance. Review status: criteria provided, multiple submitters, no conflicts (2 of 4 stars). 2 submissions from 2 submitters: Uncertain significance (2). Last evaluated 2024-05-21.

Conditions:
Cardiovascular phenotype. Identifiers: MedGen CN230736.
Progressive familial heart block type IB (PFHB1B). Identifiers: Orphanet 871, MedGen C1970298, MONDO:0011474, OMIM 604559.

Allele frequency attached by ClinVar (database versions not stated): gnomAD 0.00001 and 0.00002; ExAC 0.00002; gnomAD exomes 0.00002 and 0.00003; 1000 Genomes Project 30x 0.00031; 1000 Genomes Project 0.00040.
gnomAD v4.1: 30 of 1,614,120 alleles (0.0019%); highest among the groups gnomAD compares: East Asian, 0.031%; no homozygotes.

Submissions (2):

Labcorp Genetics (formerly Invitae), Labcorp
Classification: Uncertain significance for Progressive familial heart block type IB. Last evaluated: 2024-05-21. Review status: criteria provided, single submitter. Criteria: Invitae Variant Classification Sherloc (09022015). Collection method: clinical testing. Allele origin: germline.
Comment: This sequence change replaces arginine, which is basic and polar, with histidine, which is basic and polar, at codon 706 of the TRPM4 protein (p.Arg706His). This variant is present in population databases (rs79868934, gnomAD 0.007%). This variant has not been reported in the literature in individuals affected with TRPM4-related conditions. ClinVar contains an entry for this variant (Variation ID: 1418874). Algorithms developed to predict the effect of missense changes on protein structure and function output the following: SIFT: "Not Available"; PolyPhen-2: "Benign"; Align-GVGD: "Not Available". The histidine amino acid residue is found in multiple mammalian species, which suggests that this missense change does not adversely affect protein function. In summary, the available evidence is currently insufficient to determine the role of this variant in disease. Therefore, it has been classified as a Variant of Uncertain Significance.

Ambry Genetics
Classification: Uncertain significance for Cardiovascular phenotype. Last evaluated: 2023-04-13. Review status: criteria provided, single submitter. Criteria: Ambry Variant Classification Scheme 2023. Collection method: clinical testing. Allele origin: germline.
Comment: The p.R706H variant (also known as c.2117G>A), located in coding exon 15 of the TRPM4 gene, results from a G to A substitution at nucleotide position 2117. The arginine at codon 706 is replaced by histidine, an amino acid with highly similar properties. This variant has been detected in an amyotrophic lateral sclerosis cohort (Couthouis J et al. PLoS Genet, 2014 Oct;10:e1004704). This amino acid position is poorly conserved in available vertebrate species. In addition, this alteration is predicted to be tolerated by in silico analysis. Since supporting evidence is limited at this time, the clinical significance of this alteration remains unclear.

Literature cited by the submitters: PubMed 25299611 (cited by Ambry Genetics).